The following is an entry in ClinVar:

NM_004525.3(LRP2):c.5867T>G (p.Leu1956Arg)

Gene: LRP2 (LDL receptor related protein 2; minus strand). Cytogenetic location: 2q31.1.
Variant type: single nucleotide variant.
Coding change: c.5867T>G on transcript NM_004525.3 (MANE Select); coding-DNA position 5867, T replaced by G.
Protein change: p.Leu1956Arg; replaces leucine 1956 with arginine.
Molecular consequence: missense variant.
Genome position (GRCh38, 1-based): chr2:169,213,830, A>C on the plus strand (T>G on the coding strand, the complement: LRP2 is on the minus strand). VCF-style: chr2-169213830-A-C. GRCh37 (hg19) VCF-style: chr2-170070340-A-C.
Other names: c.5867T>G (NM_004525.2); short protein forms L1956R.
Identifiers: ClinVar variation 1007775 (VCV001007775.9), dbSNP rs756470766, ClinGen allele CA1954413.

ClinVar aggregate classification (germline): Conflicting classifications of pathogenicity. Review status: criteria provided, conflicting classifications (1 of 4 stars). 4 submissions from 4 submitters: Uncertain significance (2); Likely benign (1). 1 of the submissions does not count toward it. Last evaluated 2025-03-01.

Conditions:
Inborn genetic diseases. Identifiers: MedGen C0950123, MeSH D030342.
Donnai-Barrow syndrome. Also called: DBS/FOAR SYNDROME; FACIOOCULOACOUSTICORENAL SYNDROME. Identifiers: Orphanet 2143, MedGen C1857277, MONDO:0009104, OMIM 222448.
LRP2-related disorder. Also called: LRP2-related condition.

Allele frequency attached by ClinVar (database versions not stated): gnomAD 0.00001; gnomAD exomes 0.00010 and 0.00020; TOPMed 0.00011; ExAC 0.00017.

Submissions (4):

Ambry Genetics
Classification: Likely benign for Inborn genetic diseases. Last evaluated: 2025-03-01. Review status: criteria provided, single submitter. Criteria: Ambry Variant Classification Scheme 2023. Collection method: clinical testing. Allele origin: germline.

Labcorp Genetics (formerly Invitae), Labcorp
Classification: Uncertain significance. Last evaluated: 2024-01-18. Review status: criteria provided, single submitter. Criteria: Invitae Variant Classification Sherloc (09022015). Collection method: clinical testing. Allele origin: germline.
Comment: This sequence change replaces leucine, which is neutral and non-polar, with arginine, which is basic and polar, at codon 1956 of the LRP2 protein (p.Leu1956Arg). This variant is present in population databases (rs756470766, gnomAD 0.1%). This variant has not been reported in the literature in individuals affected with LRP2-related conditions. ClinVar contains an entry for this variant (Variation ID: 1007775). Advanced modeling of protein sequence and biophysical properties (such as structural, functional, and spatial information, amino acid conservation, physicochemical variation, residue mobility, and thermodynamic stability) has been performed at Invitae for this missense variant, however the output from this modeling did not meet the statistical confidence thresholds required to predict the impact of this variant on LRP2 protein function. In summary, the available evidence is currently insufficient to determine the role of this variant in disease. Therefore, it has been classified as a Variant of Uncertain Significance.

Fulgent Genetics
Classification: Uncertain significance for Donnai-Barrow syndrome. Last evaluated: 2022-03-14. Review status: criteria provided, single submitter. Criteria: ACMG Guidelines, 2015. Collection method: clinical testing. Allele origin: unknown.

PreventionGenetics, part of Exact Sciences
Classification: Likely benign for LRP2-related condition. Last evaluated: 2023-12-19. Review status: no assertion criteria provided. Collection method: clinical testing. Allele origin: germline. Not counted in ClinVar's aggregate classification.
Comment: This variant is classified as likely benign based on ACMG/AMP sequence variant interpretation guidelines (Richards et al. 2015 PMID: 25741868, with internal and published modifications).